The following is an entry in ClinVar:

NM_032776.3(JMJD1C):c.6308G>A (p.Arg2103Gln)

Gene: JMJD1C (jumonji domain containing 1C; minus strand). Cytogenetic location: 10q21.3.
Variant type: single nucleotide variant.
Coding change: c.6308G>A on transcript NM_032776.3 (MANE Select); coding-DNA position 6308, G replaced by A.
Protein change: p.Arg2103Gln; replaces arginine 2103 with glutamine.
Molecular consequence: missense variant. On other transcripts: non-coding transcript variant (1).
Genome position (GRCh38, 1-based): chr10:63,189,430, C>T on the plus strand (G>A on the coding strand, the complement: JMJD1C is on the minus strand). VCF-style: chr10-63189430-C-T. GRCh37 (hg19) VCF-style: chr10-64949190-C-T.
Other names: c.6308G>A (NM_032776.1); c.5762G>A, p.Arg1921Gln (NM_001282948.2, NM_001318154.2); c.5444G>A, p.Arg1815Gln (NM_001318153.2); c.6194G>A, p.Arg2065Gln (NM_001322252.2); c.5651G>A, p.Arg1884Gln (NM_001322254.2, NM_001322258.2); short protein forms R2103Q, R1921Q, R2065Q, R1815Q, R1884Q.
Identifiers: ClinVar variation 568415 (VCV000568415.8), dbSNP rs927398945, ClinGen allele CA208358269.

ClinVar aggregate classification (germline): Uncertain significance. Review status: criteria provided, multiple submitters, no conflicts (2 of 4 stars). 2 submissions from 2 submitters: Uncertain significance (2). Last evaluated 2025-10-28.

Conditions:
Early Myoclonic Encephalopathy. Identifiers: MedGen C0270855.

Allele frequency attached by ClinVar (database versions not stated): gnomAD exomes below 0.00001; gnomAD 0.00007 and 0.00008; TOPMed 0.00015.
gnomAD v4.1: 18 of 1,611,360 alleles (0.0011%); highest among the groups gnomAD compares: Admixed American, 0.015%; no homozygotes.

Submissions (2):

Labcorp Genetics (formerly Invitae), Labcorp
Classification: Uncertain significance for Early Myoclonic Encephalopathy. Last evaluated: 2025-10-28. Review status: criteria provided, single submitter. Criteria: Invitae Variant Classification Sherloc (09022015). Collection method: clinical testing. Allele origin: germline.
Comment: This sequence change replaces arginine, which is basic and polar, with glutamine, which is neutral and polar, at codon 2103 of the JMJD1C protein (p.Arg2103Gln). This variant is present in population databases (no rsID available, gnomAD 0.01%). This variant has not been reported in the literature in individuals affected with JMJD1C-related conditions. ClinVar contains an entry for this variant (Variation ID: 568415). Invitae Evidence Modeling of protein sequence and biophysical properties (such as structural, functional, and spatial information, amino acid conservation, physicochemical variation, residue mobility, and thermodynamic stability) indicates that this missense variant is expected to disrupt JMJD1C protein function with a positive predictive value of 80%. In summary, the available evidence is currently insufficient to determine the role of this variant in disease. Therefore, it has been classified as a Variant of Uncertain Significance.

Ambry Genetics
Classification: Uncertain significance. Last evaluated: 2024-10-17. Review status: criteria provided, single submitter. Criteria: Ambry Variant Classification Scheme 2023. Collection method: clinical testing. Allele origin: germline.